The following is an entry in ClinVar:

NM_006231.4(POLE):c.2714T>C (p.Phe905Ser)

Gene: POLE (DNA polymerase epsilon, catalytic subunit; minus strand). Cytogenetic location: 12q24.33.
Variant type: single nucleotide variant.
Coding change: c.2714T>C on transcript NM_006231.4 (MANE Select); coding-DNA position 2714, T replaced by C.
Protein change: p.Phe905Ser; replaces phenylalanine 905 with serine.
Molecular consequence: missense variant.
Genome position (GRCh38, 1-based): chr12:132,661,677, A>G on the plus strand (T>C on the coding strand, the complement: POLE is on the minus strand). VCF-style: chr12-132661677-A-G. GRCh37 (hg19) VCF-style: chr12-133238263-A-G.
Other names: short protein forms F905S.
Identifiers: ClinVar variation 1802085 (VCV001802085.1), dbSNP rs2135949727, ClinGen allele CA387394059.

ClinVar aggregate classification (germline): Uncertain significance (1 of 4 stars; one submission).

Allele frequency attached by ClinVar (database versions not stated): gnomAD exomes below 0.00001.
gnomAD v4.1: 1 of 1,613,670 alleles (0.000062%); highest among the groups gnomAD compares: Non-Finnish European, 0.000085%; no homozygotes.

Submission:

GeneDx
Classification: Uncertain significance. Last evaluated: 2022-05-31. Review status: criteria provided, single submitter. Criteria: GeneDx Variant Classification Process June 2021. Collection method: clinical testing. Allele origin: germline. Affected: yes.
Comment: Not observed at significant frequency in large population cohorts (gnomAD); In silico analysis supports that this missense variant has a deleterious effect on protein structure/function; Has not been previously published as pathogenic or benign to our knowledge; This variant is associated with the following publications: (PMID: 20951805)